The following is an entry in ClinVar:

NM_152594.3(SPRED1):c.56C>G (p.Ala19Gly)

Gene: SPRED1 (sprouty related EVH1 domain containing 1; plus strand). Cytogenetic location: 15q14.
Variant type: single nucleotide variant.
Coding change: c.56C>G on transcript NM_152594.3 (MANE Select); coding-DNA position 56, C replaced by G.
Protein change: p.Ala19Gly; replaces alanine 19 with glycine.
Molecular consequence: missense variant.
Genome position (GRCh38, 1-based): chr15:38,299,396, C>G. VCF-style: chr15-38299396-C-G. GRCh37 (hg19) VCF-style: chr15-38591597-C-G.
Other names: c.56C>G (NM_152594.2); short protein forms A19G.
Identifiers: ClinVar variation 1400358 (VCV001400358.9), dbSNP rs968982670, ClinGen allele CA269287897.

ClinVar aggregate classification (germline): Uncertain significance. Review status: criteria provided, multiple submitters, no conflicts (2 of 4 stars). 2 submissions from 2 submitters: Uncertain significance (2). Last evaluated 2025-04-14.

Conditions:
Cardiovascular phenotype. Identifiers: MedGen CN230736.
Legius syndrome. Identifiers: Orphanet 137605, MedGen C1969623, MONDO:0012669, OMIM 611431. Disease mechanism: loss of function.

Allele frequency attached by ClinVar (database versions not stated): gnomAD exomes below 0.00001 and 0.00001.
gnomAD v4.1: 15 of 1,613,856 alleles (0.00093%); highest among the groups gnomAD compares: Non-Finnish European, 0.0013%; no homozygotes.

Submissions (2):

Labcorp Genetics (formerly Invitae), Labcorp
Classification: Uncertain significance for Legius syndrome. Last evaluated: 2025-04-14. Review status: criteria provided, single submitter. Criteria: Invitae Variant Classification Sherloc (09022015). Collection method: clinical testing. Allele origin: germline.
Comment: This sequence change replaces alanine, which is neutral and non-polar, with glycine, which is neutral and non-polar, at codon 19 of the SPRED1 protein (p.Ala19Gly). This variant is present in population databases (no rsID available, gnomAD 0.0009%). This variant has not been reported in the literature in individuals affected with SPRED1-related conditions. ClinVar contains an entry for this variant (Variation ID: 1400358). Invitae Evidence Modeling of protein sequence and biophysical properties (such as structural, functional, and spatial information, amino acid conservation, physicochemical variation, residue mobility, and thermodynamic stability) indicates that this missense variant is expected to disrupt SPRED1 protein function with a positive predictive value of 80%. In summary, the available evidence is currently insufficient to determine the role of this variant in disease. Therefore, it has been classified as a Variant of Uncertain Significance.

Ambry Genetics
Classification: Uncertain significance for Cardiovascular phenotype. Last evaluated: 2024-12-06. Review status: criteria provided, single submitter. Criteria: Ambry Variant Classification Scheme 2023. Collection method: clinical testing. Allele origin: germline.
Comment: The p.A19G variant (also known as c.56C>G), located in coding exon 2 of the SPRED1 gene, results from a C to G substitution at nucleotide position 56. The alanine at codon 19 is replaced by glycine, an amino acid with similar properties. This amino acid position is conserved. In addition, this alteration is predicted to be deleterious by in silico analysis. Based on the available evidence, the clinical significance of this variant remains unclear.